The following is an entry in ClinVar:

NM_207361.6(FREM2):c.4114C>T (p.Gln1372Ter)

Gene: FREM2 (FRAS1 related extracellular matrix 2; plus strand). Cytogenetic location: 13q13.3.
Variant type: single nucleotide variant.
Coding change: c.4114C>T on transcript NM_207361.6 (MANE Select); coding-DNA position 4114, C replaced by T.
Protein change: p.Gln1372Ter; replaces glutamine 1372 with a stop codon.
Molecular consequence: nonsense.
Genome position (GRCh38, 1-based): chr13:38,691,458, C>T. VCF-style: chr13-38691458-C-T. GRCh37 (hg19) VCF-style: chr13-39265595-C-T.
Other names: short protein forms Q1372*.
Identifiers: ClinVar variation 2839443 (VCV002839443.3), dbSNP rs1431811994, ClinGen allele CA387892439.
Genomic context (GRCh38, chr13:38,691,458, plus strand): 5'-TTACAGAGACGAAAACCTACTGGTGCCTTTGAAAATATCACACTGGGCATGAATTTTACC[C>T]AGGATGAAGTAGACAGAAACTTAATTCAGTATGTCCATTTGGGGCAAGAGGGCATTCGGG-3'

ClinVar aggregate classification (germline): Pathogenic (1 of 4 stars; one submission).

Submission:

Labcorp Genetics (formerly Invitae), Labcorp
Classification: Pathogenic. Last evaluated: 2023-02-21. Review status: criteria provided, single submitter. Criteria: Invitae Variant Classification Sherloc (09022015). Collection method: clinical testing. Allele origin: germline.
Comment: For these reasons, this variant has been classified as Pathogenic. This variant has not been reported in the literature in individuals affected with FREM2-related conditions. This variant is not present in population databases (gnomAD no frequency). This sequence change creates a premature translational stop signal (p.Gln1372*) in the FREM2 gene. It is expected to result in an absent or disrupted protein product. Loss-of-function variants in FREM2 are known to be pathogenic (PMID: 18203166, 26552811).

Literature cited by the submitters: PubMed 18203166; PubMed 26552811.